The following is an entry in ClinVar:

ClinVar aggregate classification (germline): Uncertain significance (1 of 4 stars; one submission).

Conditions:
Congenital disorder of glycosylation, type Ii. Also called: CDG Ii; ALG2-congenital disorder of glycosylation; ALG2-CDG. Identifiers: Orphanet 79326, MedGen C1842836, MONDO:0011933, OMIM 607906.
Congenital myasthenic syndrome 14. Also called: Myasthenic syndrome, congenital, 14, with tubular aggregates. Identifiers: Orphanet 353327, Orphanet 590, MedGen C4015597, MONDO:0014543, OMIM 616228.

Submission:

Labcorp Genetics (formerly Invitae), Labcorp
Classification: Uncertain significance for Congenital disorder of glycosylation, type Ii; Congenital myasthenic syndrome 14. Last evaluated: 2022-06-04. Review status: criteria provided, single submitter. Criteria: Invitae Variant Classification Sherloc (09022015). Collection method: clinical testing. Allele origin: germline.
Comment: In summary, the available evidence is currently insufficient to determine the role of this variant in disease. Therefore, it has been classified as a Variant of Uncertain Significance. Experimental studies and prediction algorithms are not available or were not evaluated, and the functional significance of this variant is currently unknown. ClinVar contains an entry for this variant (Variation ID: 647575). This variant has not been reported in the literature in individuals affected with ALG2-related conditions. This variant is present in population databases (no rsID available, gnomAD 0.03%). This variant, c.254_256dup, results in the insertion of 1 amino acid(s) of the ALG2 protein (p.Gly85dup), but otherwise preserves the integrity of the reading frame.

NM_033087.4(ALG2):c.251GCG[3] (p.Gly85dup)

Gene: ALG2 (ALG2 alpha-1,3/1,6-mannosyltransferase; minus strand). Cytogenetic location: 9q22.33.
Variant type: Microsatellite.
Coding change: c.251GCG[3] on transcript NM_033087.4 (MANE Select); three copies in a row of the 3-base unit GCG starting at c.251; the reference has two copies in a row; one copy, 3 bases duplicated.
Protein change: p.Gly85dup; duplicates glycine 85.
Molecular consequence: inframe insertion. On other transcripts: non-coding transcript variant (1).
Genome position (GRCh38, 1-based): chr9:99,221,639-99,221,641, CGC duplicated on the plus strand (GCG on the coding strand, the reverse complement: ALG2 is on the minus strand); duplicating any 3 consecutive bases within chr9:99,221,639-99,221,644 gives the same sequence; the position shown is the placement nearest the transcript's 3' end. VCF-style (leftmost placement, unchanged base first): chr9-99221638-G-GCGC. GRCh37 (hg19) VCF-style: chr9-101983920-G-GCGC.
Identifiers: ClinVar variation 647575 (VCV000647575.7), dbSNP rs1050763044, ClinGen allele CA196855975.
Genomic context (GRCh38, chr9:99,221,638, plus strand): 5'-TCGGCGAGGAACAGCACGTAGAGCGCCAGGAAAACCATGCGCACGTAGGCGCAGACGGCG[G>GCGC]CGCCGCGGCCGCCCCAGCCCAGGCCTCGCGGCAGCCAGTCCCCGGCACAGCGCACCGGTA-3'